The following is an entry in ClinVar:

ClinVar aggregate classification (germline): Uncertain significance (1 of 4 stars; one submission).

Conditions:
Hereditary cancer-predisposing syndrome. Also called: Neoplastic Syndromes, Hereditary; Tumor predisposition; Hereditary neoplastic syndrome; Hereditary Cancer Syndrome. Identifiers: Orphanet 140162, MedGen C0027672, MeSH D009386, MONDO:0015356.

Submission:

Ambry Genetics
Classification: Uncertain significance for Hereditary cancer-predisposing syndrome. Last evaluated: 2023-02-10. Review status: criteria provided, single submitter. Criteria: Ambry Variant Classification Scheme 2023. Collection method: clinical testing. Allele origin: germline.
Comment: The p.S493P variant (also known as c.1477T>C), located in coding exon 5 of the AXIN2 gene, results from a T to C substitution at nucleotide position 1477. The serine at codon 493 is replaced by proline, an amino acid with similar properties. This amino acid position is conserved. In addition, this alteration is predicted to be tolerated by in silico analysis. Since supporting evidence is limited at this time, the clinical significance of this alteration remains unclear.

NM_004655.4(AXIN2):c.1477T>C (p.Ser493Pro)

Gene: AXIN2 (axin 2; minus strand). Cytogenetic location: 17q24.1.
Variant type: single nucleotide variant.
Coding change: c.1477T>C on transcript NM_004655.4 (MANE Select); coding-DNA position 1477, T replaced by C.
Protein change: p.Ser493Pro; replaces serine 493 with proline.
Molecular consequence: missense variant.
Genome position (GRCh38, 1-based): chr17:65,537,559, A>G on the plus strand (T>C on the coding strand, the complement: AXIN2 is on the minus strand). VCF-style: chr17-65537559-A-G. GRCh37 (hg19) VCF-style: chr17-63533677-A-G.
Other names: c.1477T>C, p.Ser493Pro (NM_001363813.1); short protein forms S493P.
Identifiers: ClinVar variation 2451666 (VCV002451666.2), dbSNP rs2144461699, ClinGen allele CA400677424.